The following is an entry in ClinVar:

NM_001329943.3(KIAA0586):c.3685A>C (p.Thr1229Pro)

Gene: KIAA0586 (KIAA0586; plus strand). Cytogenetic location: 14q23.1.
Variant type: single nucleotide variant.
Coding change: c.3685A>C on transcript NM_001329943.3 (MANE Select); coding-DNA position 3685, A replaced by C.
Protein change: p.Thr1229Pro; replaces threonine 1229 with proline.
Molecular consequence: missense variant.
Genome position (GRCh38, 1-based): chr14:58,488,778, A>C. VCF-style: chr14-58488778-A-C. GRCh37 (hg19) VCF-style: chr14-58955496-A-C.
Other names: c.3844A>C, p.Thr1282Pro (NM_001244189.2); c.3640A>C, p.Thr1214Pro (NM_001244190.2); c.3430A>C, p.Thr1144Pro (NM_001244191.2, NM_001329945.2, NM_001364700.1 and 1 more transcripts); c.3553A>C, p.Thr1185Pro (NM_001244192.2); c.3265A>C, p.Thr1089Pro (NM_001244193.2); c.3685A>C, p.Thr1229Pro (NM_001329944.2, NM_001329946.2, NM_001329947.2); c.3457A>C, p.Thr1153Pro (NM_014749.5); short protein forms T1229P, T1144P, T1153P, T1282P, T1185P, T1089P, T1214P.
Identifiers: ClinVar variation 2040266 (VCV002040266.2), dbSNP rs765419274, ClinGen allele CA7206229.

ClinVar aggregate classification (germline): Uncertain significance (1 of 4 stars; one submission).

Conditions:
Short-rib thoracic dysplasia 14 with polydactyly (SRTD14). Identifiers: Orphanet 397715, MedGen C4225286, MONDO:0014688, OMIM 616546.
Joubert syndrome 23 (JBTS23). Identifiers: Orphanet 475, MedGen C4084822, MONDO:0014664, OMIM 616490.

Allele frequency attached by ClinVar (database versions not stated): ExAC 0.00001.

Submission:

Labcorp Genetics (formerly Invitae), Labcorp
Classification: Uncertain significance for Joubert syndrome 23; Short-rib thoracic dysplasia 14 with polydactyly. Last evaluated: 2024-01-08. Review status: criteria provided, single submitter. Criteria: Invitae Variant Classification Sherloc (09022015). Collection method: clinical testing. Allele origin: germline.
Comment: This sequence change replaces threonine, which is neutral and polar, with proline, which is neutral and non-polar, at codon 1282 of the KIAA0586 protein (p.Thr1282Pro). This variant is present in population databases (rs765419274, gnomAD 0.0009%). This variant has not been reported in the literature in individuals affected with KIAA0586-related conditions. ClinVar contains an entry for this variant (Variation ID: 2040266). Advanced modeling of protein sequence and biophysical properties (such as structural, functional, and spatial information, amino acid conservation, physicochemical variation, residue mobility, and thermodynamic stability) performed at Invitae indicates that this missense variant is expected to disrupt KIAA0586 protein function with a positive predictive value of 80%. In summary, the available evidence is currently insufficient to determine the role of this variant in disease. Therefore, it has been classified as a Variant of Uncertain Significance.